The following is an entry in ClinVar:

ClinVar aggregate classification (germline): Uncertain significance (1 of 4 stars; one submission).

Submission:

GeneDx
Classification: Uncertain significance. Last evaluated: 2024-01-02. Review status: criteria provided, single submitter. Criteria: GeneDx Variant Classification Process June 2021. Collection method: clinical testing. Allele origin: germline. Affected: yes.
Comment: Not observed at significant frequency in large population cohorts (gnomAD); In silico analysis supports that this missense variant does not alter protein structure/function; Has not been previously published as pathogenic or benign to our knowledge

NM_016604.4(KDM3B):c.2209G>A (p.Glu737Lys)

Gene: KDM3B (lysine demethylase 3B; plus strand). Cytogenetic location: 5q31.2.
Variant type: single nucleotide variant.
Coding change: c.2209G>A on transcript NM_016604.4 (MANE Select); coding-DNA position 2209, G replaced by A.
Protein change: p.Glu737Lys; replaces glutamic acid 737 with lysine.
Molecular consequence: missense variant.
Genome position (GRCh38, 1-based): chr5:138,391,841, G>A. VCF-style: chr5-138391841-G-A. GRCh37 (hg19) VCF-style: chr5-137727530-G-A.
Other names: short protein forms E737K.
Identifiers: ClinVar variation 3253010 (VCV003253010.1), dbSNP rs2480211271.
Genomic context (GRCh38, chr5:138,391,841, plus strand): 5'-CTCTCTGCCATGGGGAATGGCCGCTCCAGCTCGCCCACCAGCAGCCTCACTCAGCCCATT[G>A]AGATGCCAACTCTCTCCTCTAGCCCCACAGAGGAGAGGCCAACTGTGGGGCCTGGGCAGC-3'
Protein context (NP_057688.3, residues 727-747): SPTSSLTQPI[Glu737Lys]MPTLSSSPTE